The following is an entry in ClinVar:

NM_015158.5(KANK1):c.1798T>A (p.Cys600Ser)

Gene: KANK1 (KN motif and ankyrin repeat domains 1; plus strand). Cytogenetic location: 9p24.3.
Variant type: single nucleotide variant.
Coding change: c.1798T>A on transcript NM_015158.5 (MANE Select); coding-DNA position 1798, T replaced by A.
Protein change: p.Cys600Ser; replaces cysteine 600 with serine.
Molecular consequence: missense variant. On other transcripts: non-coding transcript variant (1).
Genome position (GRCh38, 1-based): chr9:712,564, T>A. VCF-style: chr9-712564-T-A. GRCh37 (hg19) VCF-style: chr9-712564-T-A.
Other names: c.1798T>A, p.Cys600Ser (NM_001256876.3, NM_001256877.3, NM_001354331.2 and 2 more transcripts); c.1324T>A, p.Cys442Ser (NM_001354333.2, NM_001354335.2, NM_001354336.2 and 9 more transcripts); short protein forms C600S, C442S.
Identifiers: ClinVar variation 2208877 (VCV002208877.3), dbSNP rs1480250143, ClinGen allele CA372748975.

ClinVar aggregate classification (germline): Uncertain significance. Review status: criteria provided, multiple submitters, no conflicts (2 of 4 stars). 2 submissions from 2 submitters: Uncertain significance (2). Last evaluated 2025-11-09.

Allele frequency attached by ClinVar (database versions not stated): gnomAD exomes below 0.00001; gnomAD 0.00001; TOPMed 0.00002.
gnomAD v4.1: 12 of 1,614,044 alleles (0.00074%); highest among the groups gnomAD compares: South Asian, 0.0066%; no homozygotes.

Submissions (2):

Labcorp Genetics (formerly Invitae), Labcorp
Classification: Uncertain significance. Last evaluated: 2025-11-09. Review status: criteria provided, single submitter. Criteria: Invitae Variant Classification Sherloc (09022015). Collection method: clinical testing. Allele origin: germline.
Comment: This sequence change replaces cysteine, which is neutral and slightly polar, with serine, which is neutral and polar, at codon 600 of the KANK1 protein (p.Cys600Ser). This variant is present in population databases (no rsID available, gnomAD 0.02%). This variant has not been reported in the literature in individuals affected with KANK1-related conditions. ClinVar contains an entry for this variant (Variation ID: 2208877). Invitae Evidence Modeling of protein sequence and biophysical properties (such as structural, functional, and spatial information, amino acid conservation, physicochemical variation, residue mobility, and thermodynamic stability) indicates that this missense variant is not expected to disrupt KANK1 protein function with a negative predictive value of 80%. In summary, the available evidence is currently insufficient to determine the role of this variant in disease. Therefore, it has been classified as a Variant of Uncertain Significance.

Ambry Genetics
Classification: Uncertain significance. Last evaluated: 2022-09-14. Review status: criteria provided, single submitter. Criteria: Ambry Variant Classification Scheme 2023. Collection method: clinical testing. Allele origin: germline.